The following is an entry in ClinVar:

NM_003482.4(KMT2D):c.6360T>G (p.Ala2120=)

Gene: KMT2D (lysine methyltransferase 2D; minus strand). Cytogenetic location: 12q13.12.
Variant type: single nucleotide variant.
Coding change: c.6360T>G on transcript NM_003482.4 (MANE Select); coding-DNA position 6360, T replaced by G.
Protein change: p.Ala2120=; no amino-acid change (alanine 2120 retained).
Molecular consequence: synonymous variant.
Genome position (GRCh38, 1-based): chr12:49,041,410, A>C on the plus strand (T>G on the coding strand, the complement: KMT2D is on the minus strand). VCF-style: chr12-49041410-A-C. GRCh37 (hg19) VCF-style: chr12-49435193-A-C.
Identifiers: ClinVar variation 4994769 (VCV004994769.1).
Genomic context (GRCh38, chr12:49,041,410, plus strand): 5'-GTCCGCAGAGGTAGACAAGCCGGCGGGGGTAGTGGGGCTGCCAATGAAAATGGTGGGGGC[A>C]GCAGCGGGGGGCGGGCTGCCCAGTGCCCCTGGCTGCGGGGGAATGCGGAGATGTAGGGCC-3'
Protein context (NP_003473.3, residues 2110-2130): PGALGSPPPA[Ala2120=]APTIFIGSPT

ClinVar aggregate classification (germline): Likely benign (1 of 4 stars; one submission).

Conditions:
KMT2D-related disorder. Also called: KMT2D-Related Disorders.

gnomAD v4.1: 4 of 1,607,486 alleles (0.00025%); highest among the groups gnomAD compares: African/African-American, 0.004%; no homozygotes.

Submission:

PreventionGenetics, part of Exact Sciences
Classification: Likely benign for KMT2D-related condition. Last evaluated: 2026-08-11. Review status: criteria provided, single submitter. Criteria: ACMG Guidelines, 2015. Collection method: clinical testing. Allele origin: germline.
Comment: This variant is classified as likely benign based on ACMG/AMP sequence variant interpretation guidelines (Richards et al. 2015 PMID: 25741868, with internal and published modifications).